The following is an entry in ClinVar:

ClinVar aggregate classification (germline): Uncertain significance (1 of 4 stars; one submission).

gnomAD v4.1: 5 of 1,613,636 alleles (0.00031%); highest among the groups gnomAD compares: Admixed American, 0.0083%; no homozygotes.

Submission:

Ambry Genetics
Classification: Uncertain significance. Last evaluated: 2026-06-15. Review status: criteria provided, single submitter. Criteria: Ambry Variant Classification Scheme 2023. Collection method: clinical testing. Allele origin: germline.
Comment: The c.5618C>T (p.P1873L) alteration is located in exon 11 (coding exon 10) of the MDC1 gene. This alteration results from a C to T substitution at nucleotide position 5618, causing the proline (P) at amino acid position 1873 to be replaced by a leucine (L). Based on data from gnomAD, the T allele has an overall frequency of <0.001% (1/249766) total alleles studied. The highest observed frequency was 0.003% (1/34586) of Latino alleles. Based on insufficient or conflicting evidence, the clinical significance of this alteration remains unclear.

NM_014641.3(MDC1):c.5618C>T (p.Pro1873Leu)

Genes: MDC1 (mediator of DNA damage checkpoint 1; minus strand), MDC1-AS1 (MDC1 antisense RNA 1; plus strand). Cytogenetic location: 6p21.33.
Variant type: single nucleotide variant.
Coding change: c.5618C>T on transcript NM_014641.3 (MANE Select); coding-DNA position 5618, C replaced by T.
Protein change: p.Pro1873Leu; replaces proline 1873 with leucine.
Molecular consequence: missense variant.
Genome position (GRCh38, 1-based): chr6:30,703,482, G>A on the plus strand (C>T on the coding strand, the complement: MDC1 is on the minus strand). VCF-style: chr6-30703482-G-A. GRCh37 (hg19) VCF-style: chr6-30671259-G-A.
Other names: short protein forms P1873L.
Identifiers: ClinVar variation 5024100 (VCV005024100.1).